The following is an entry in ClinVar:

NM_000218.3(KCNQ1):c.1906G>A (p.Ala636Thr)

Genes: KCNQ1-AS1 (KCNQ1 antisense RNA 1; minus strand), KCNQ1 (potassium voltage-gated channel subfamily Q member 1; plus strand). Cytogenetic location: 11p15.4.
Variant type: single nucleotide variant.
Coding change: c.1906G>A on transcript NM_000218.3 (MANE Select); coding-DNA position 1906, G replaced by A.
Protein change: p.Ala636Thr; replaces alanine 636 with threonine.
Molecular consequence: missense variant.
Genome position (GRCh38, 1-based): chr11:2,847,878, G>A. VCF-style: chr11-2847878-G-A. GRCh37 (hg19) VCF-style: chr11-2869108-G-A.
Other names: c.1810G>A, p.Ala604Thr (NM_001406836.1); c.1636G>A, p.Ala546Thr (NM_001406837.1); c.1366G>A, p.Ala456Thr (NM_001406838.1); c.418G>A, p.Ala140Thr (NM_001406839.1); c.1525G>A, p.Ala509Thr (NM_181798.2); short protein forms A140T, A456T, A509T, A546T, A604T, A636T.
Identifiers: ClinVar variation 3386955 (VCV003386955.1).

ClinVar aggregate classification (germline): Uncertain significance (1 of 4 stars; one submission).

Conditions:
Long QT syndrome (LQTS). Identifiers: MedGen C0023976, MeSH D008133, MONDO:0002442. Disease mechanism: loss of function. Inheritance: Various modes of inheritance.

Submission:

All of Us Research Program, National Institutes of Health
Classification: Uncertain significance for Long QT syndrome. Last evaluated: 2024-02-22. Review status: criteria provided, single submitter. Criteria: ACMG Guidelines, 2015. Collection method: clinical testing. Allele origin: germline. Inheritance: Autosomal dominant inheritance. Observed: 1 variant allele, 1 heterozygote.
Comment: This missense variant replaces alanine with threonine at codon 636 of the KCNQ1 protein. Computational prediction suggests that this variant may not impact protein structure and function (internally defined REVEL score threshold <= 0.5, PMID: 27666373). To our knowledge, functional studies have not been reported for this variant. This variant has not been reported in individuals affected with KCNQ1-related disorders in the literature. This variant has not been identified in the general population by the Genome Aggregation Database (gnomAD). The available evidence is insufficient to determine the role of this variant in disease conclusively. Therefore, this variant is classified as a Variant of Uncertain Significance.

This study involves interpretation of variants in research participants for the purpose of population health screening. Participant phenotype was not available at the time of variant classification. Additional details can be found in publication PMID: 35346344, PMCID: PMC8962531